The following is an entry in ClinVar:

ClinVar aggregate classification (germline): Benign/Likely benign. Review status: criteria provided, multiple submitters, no conflicts (2 of 4 stars). 3 submissions from 3 submitters: Benign (1); Likely benign (2). Last evaluated 2026-06-04.

Conditions:
Hereditary cancer-predisposing syndrome. Also called: Neoplastic Syndromes, Hereditary; Hereditary Cancer Syndrome; Hereditary neoplastic syndrome; Tumor predisposition. Identifiers: Orphanet 140162, MedGen C0027672, MeSH D009386, MONDO:0015356.
Gastrointestinal stromal tumor. Also called: Gastrointestinal stromal tumor, somatic; Gastrointestinal stroma tumor. Identifiers: Orphanet 44890, MedGen C0238198, MeSH D046152, MONDO:0011719, OMIM 606764, HP:0100723.

Allele frequency attached by ClinVar (database versions not stated): gnomAD exomes below 0.00001; TOPMed below 0.00001; ExAC 0.00001; ESP Exome Variant Server 0.00008.
gnomAD v4.1: 2 of 1,613,628 alleles (0.00012%); highest among the groups gnomAD compares: African/African-American, 0.0027%; no homozygotes.

Submissions (3):

Myriad Genetics, Inc.
Classification: Benign for Gastrointestinal stromal tumor. Last evaluated: 2026-06-04. Review status: criteria provided, single submitter. Criteria: Myriad Autosomal Dominant, Autosomal Recessive and X-Linked Classification Criteria (2023). Collection method: clinical testing. Allele origin: unknown.
Comment: This variant is considered benign. This variant is a silent/synonymous amino acid change and it is not expected to impact splicing.

Labcorp Genetics (formerly Invitae), Labcorp
Classification: Likely benign for Gastrointestinal stromal tumor. Last evaluated: 2025-10-13. Review status: criteria provided, single submitter. Criteria: Invitae Variant Classification Sherloc (09022015). Collection method: clinical testing. Allele origin: germline.

Ambry Genetics
Classification: Likely benign for Hereditary cancer-predisposing syndrome. Last evaluated: 2022-03-14. Review status: criteria provided, single submitter. Criteria: Ambry Variant Classification Scheme 2023. Collection method: clinical testing. Allele origin: germline.

NM_000222.3(KIT):c.1635C>T (p.Tyr545=)

Gene: KIT (KIT proto-oncogene, receptor tyrosine kinase; plus strand). Cytogenetic location: 4q12.
Variant type: single nucleotide variant.
Coding change: c.1635C>T on transcript NM_000222.3 (MANE Select); coding-DNA position 1635, C replaced by T.
Protein change: p.Tyr545=; no amino-acid change (tyrosine 545 retained).
Molecular consequence: synonymous variant.
Genome position (GRCh38, 1-based): chr4:54,727,312, C>T. VCF-style: chr4-54727312-C-T. GRCh37 (hg19) VCF-style: chr4-55593478-C-T.
Other names: c.1623C>T, p.Tyr541= (NM_001093772.2, NM_001385286.1); c.1638C>T, p.Tyr546= (NM_001385284.1, NM_001385290.1); c.1635C>T, p.Tyr545= (NM_001385285.1); c.1626C>T, p.Tyr542= (NM_001385288.1, NM_001385292.1).
Identifiers: ClinVar variation 729576 (VCV000729576.12), dbSNP rs374123328, ClinGen allele CA2923538.